The following is an entry in ClinVar:

NC_000002.12:g.29207270_29207273del

Gene: ALK (ALK receptor tyrosine kinase; minus strand). Cytogenetic location: 2p23.2.
Variant type: Deletion.
Genome position: GRCh38 VCF-style: chr2-29207268-TCGCC-T. GRCh37 (hg19) VCF-style: chr2-29430134-TCGCC-T.
Identifiers: ClinVar variation 1014027 (VCV001014027.7), dbSNP rs1669336181, ClinGen allele CA1241082660.

ClinVar aggregate classification (germline): Uncertain significance (1 of 4 stars; one submission).

Conditions:
Neuroblastoma, susceptibility to, 3. Also called: ALK-Related Neuroblastic Tumor Susceptibility. Identifiers: Orphanet 635, MedGen C2751681, MONDO:0013083, OMIM 613014.

Submission:

Labcorp Genetics (formerly Invitae), Labcorp
Classification: Uncertain significance for Neuroblastoma, susceptibility to, 3. Last evaluated: 2022-11-29. Review status: criteria provided, single submitter. Criteria: Invitae Variant Classification Sherloc (09022015). Collection method: clinical testing. Allele origin: germline.
Comment: This variant is not present in population databases (gnomAD no frequency). This variant has not been reported in the literature in individuals affected with ALK-related conditions. ClinVar contains an entry for this variant (Variation ID: 1014027). Algorithms developed to predict the effect of sequence changes on RNA splicing suggest that this variant may disrupt the consensus splice site. In summary, the available evidence is currently insufficient to determine the role of this variant in disease. Therefore, it has been classified as a Variant of Uncertain Significance. This sequence change creates a premature translational stop signal (p.Ser1281Thrfs*80) in the ALK gene. It is expected to result in an absent or disrupted protein product. However, the current clinical and genetic evidence is not sufficient to establish whether loss-of-function variants in ALK cause disease.